The following is an entry in ClinVar:

NM_007294.4(BRCA1):c.522A>G (p.Gln174=)

Gene: BRCA1 (BRCA1 DNA repair associated; minus strand). Cytogenetic location: 17q21.31.
Variant type: single nucleotide variant.
Coding change: c.522A>G on transcript NM_007294.4 (MANE Select); coding-DNA position 522, A replaced by G.
Protein change: p.Gln174=; no amino-acid change (glutamine 174 retained).
Molecular consequence: synonymous variant. On other transcripts: intron variant (2).
Genome position (GRCh38, 1-based): chr17:43,099,800, T>C on the plus strand (A>G on the coding strand, the complement: BRCA1 is on the minus strand). VCF-style: chr17-43099800-T-C. GRCh37 (hg19) VCF-style: chr17-41251817-T-C.
Other names: p.Gln174=; c.522A>G, p.Gln174= (NM_001407621.1, NM_001407622.1, NM_001407623.1 and 97 more transcripts); c.519A>G, p.Gln173= (NM_001407627.1, NM_001407628.1, NM_001407629.1 and 65 more transcripts); c.513A>G, p.Gln171= (NM_001407646.1, NM_001407647.1, NM_001408408.1); c.444A>G, p.Gln148= (NM_001407653.1, NM_001407654.1, NM_001407655.1 and 12 more transcripts); c.441A>G, p.Gln147= (NM_001407659.1, NM_001407660.1, NM_001407661.1 and 6 more transcripts); c.381A>G, p.Gln127= (NM_001407692.1, NM_001407694.1, NM_001407695.1 and 61 more transcripts); c.378A>G, p.Gln126= (NM_001407740.1, NM_001407741.1, NM_001407742.1 and 35 more transcripts); and 6 more.
Identifiers: ClinVar variation 184034 (VCV000184034.35), dbSNP rs765432756, ClinGen allele CA003373.

ClinVar aggregate classification (germline): Likely benign. Review status: reviewed by expert panel (3 of 4 stars). 13 submissions from 13 submitters: Likely benign (1). 12 of the submissions do not count toward it. Last evaluated 2017-06-29.

Conditions:
Hereditary cancer-predisposing syndrome. Also called: Hereditary Cancer Syndrome; Hereditary neoplastic syndrome; Tumor predisposition; Neoplastic Syndromes, Hereditary. Identifiers: Orphanet 140162, MedGen C0027672, MeSH D009386, MONDO:0015356.
Hereditary breast ovarian cancer syndrome. Also called: Hereditary breast and ovarian cancer syndrome; Hereditary breast and ovarian cancer syndrome (HBOC); BRCA1- and BRCA2-Associated Hereditary Breast and Ovarian Cancer; Breast and ovarian cancer; Hereditary breast and ovarian cancer; Hereditary breast and/or ovarian cancer syndrome. Identifiers: Orphanet 145, MedGen C0677776, MeSH D061325, MONDO:0003582. Disease mechanism: loss of function.
Malignant tumor of breast. Also called: Malignant breast neoplasm; Cancer breast. Identifiers: MedGen C0006142, MONDO:0007254. Disease mechanism: loss of function.
Breast-ovarian cancer, familial, susceptibility to, 1 (BROVCA1). Also called: OVARIAN CANCER, SUSCEPTIBILITY TO; BRCA1 Hereditary Breast and Ovarian Cancer. Identifiers: Orphanet 145, MedGen C2676676, MONDO:0011450, OMIM 604370. Disease mechanism: loss of function.

Allele frequency attached by ClinVar (database versions not stated): ExAC 0.00001; gnomAD exomes 0.00001 and 0.00002; gnomAD 0.00002; TOPMed 0.00002.
gnomAD v4.1: 25 of 1,612,114 alleles (0.0016%); highest among the groups gnomAD compares: Non-Finnish European, 0.0021%; no homozygotes.

Submissions (13):

Evidence-based Network for the Interpretation of Germline Mutant Alleles (ENIGMA)
Classification: Likely benign for Breast-ovarian cancer, familial, susceptibility to, 1. Last evaluated: 2017-06-29. Review status: reviewed by expert panel. Criteria: ENIGMA BRCA1/2 Classification Criteria (2017-06-29). Collection method: curation. Allele origin: germline.
Comment: Synonymous substitution variant, with low bioinformatic likelihood to result in a splicing aberration (Splicing prior probability 0.02).

Labcorp Genetics (formerly Invitae), Labcorp
Classification: Likely benign for Hereditary breast ovarian cancer syndrome. Last evaluated: 2026-01-10. Review status: criteria provided, single submitter. Criteria: Invitae Variant Classification Sherloc (09022015). Collection method: clinical testing. Allele origin: germline. Not counted in ClinVar's aggregate classification.

Mayo Clinic Laboratories, Mayo Clinic
Classification: Benign. Last evaluated: 2025-05-23. Review status: criteria provided, single submitter. Criteria: ACMG Guidelines, 2015. Collection method: clinical testing. Allele origin: germline. Observed: 2 variant alleles. Not counted in ClinVar's aggregate classification.
Comment: BP1_strong

Quest Diagnostics Nichols Institute San Juan Capistrano
Classification: Likely benign. Last evaluated: 2025-03-04. Review status: criteria provided, single submitter. Criteria: Quest Diagnostics criteria. Collection method: clinical testing. Allele origin: unknown. Not counted in ClinVar's aggregate classification.

Sema4
Classification: Likely benign for Hereditary cancer-predisposing syndrome. Last evaluated: 2021-05-03. Review status: criteria provided, single submitter. Criteria: Sema4 Curation Guidelines. Collection method: curation. Allele origin: germline. Not counted in ClinVar's aggregate classification.

Women's Health and Genetics/Laboratory Corporation of America, LabCorp
Classification: Likely benign. Last evaluated: 2019-08-21. Review status: criteria provided, single submitter. Criteria: LabCorp Variant Classification Summary - May 2015. Collection method: clinical testing. Allele origin: germline. Not counted in ClinVar's aggregate classification.

GeneDx
Classification: Likely benign. Last evaluated: 2018-04-18. Review status: criteria provided, single submitter. Criteria: GeneDx Variant Classification Process June 2021. Collection method: clinical testing. Allele origin: germline. Affected: yes. Not counted in ClinVar's aggregate classification.
Comment: This variant is associated with the following publications: (PMID: 16267036)

Color Diagnostics, LLC DBA Color Health
Classification: Likely benign for Hereditary cancer-predisposing syndrome. Last evaluated: 2017-04-27. Review status: criteria provided, single submitter. Criteria: ACMG Guidelines, 2015. Collection method: clinical testing. Allele origin: germline. Not counted in ClinVar's aggregate classification.

Department of Pathology and Molecular Medicine, Queen's University
Classification: Likely benign. Last evaluated: 2017-04-20. Review status: criteria provided, single submitter. Criteria: ACMG Guidelines, 2015. Collection method: clinical testing. Allele origin: germline. Study: The Canadian Open Genetics Repository (COGR). Not counted in ClinVar's aggregate classification.

Molecular Genetics Laboratory, University of Michigan
Classification: Likely benign for Breast-ovarian cancer, familial, susceptibility to, 1. Last evaluated: 2016-04-21. Review status: criteria provided, single submitter. Criteria: ACMG Guidelines, 2015. Collection method: clinical testing. Allele origin: germline. Affected: yes. Not counted in ClinVar's aggregate classification.

Eurofins Ntd Llc (ga)
Classification: Uncertain significance. Last evaluated: 2014-08-18. Review status: criteria provided, single submitter. Criteria: EGL Classification Definitions 2015. Collection method: clinical testing. Allele origin: germline. Observed: 1 variant allele, 1 heterozygote. Not counted in ClinVar's aggregate classification.

Ambry Genetics
Classification: Likely benign for Hereditary cancer-predisposing syndrome. Last evaluated: 2014-07-23. Review status: criteria provided, single submitter. Criteria: Ambry Variant Classification Scheme 2023. Collection method: clinical testing. Allele origin: germline. Not counted in ClinVar's aggregate classification.

Department of Pathology and Laboratory Medicine, Sinai Health System
Classification: Likely benign for Malignant tumor of breast. Review status: no assertion criteria provided. Collection method: clinical testing. Allele origin: unknown. Affected: yes. Study: The Canadian Open Genetics Repository (COGR). Not counted in ClinVar's aggregate classification.
Comment: The BRCA1 p.Gln174= variant was not identified in the literature nor was it identified in the LOVD 3.0, BIC Database, or ARUP Laboratories database. The variant was identified in dbSNP (ID: rs765432756) â€šÃ„ÃºWith other alleleâ€šÃ„Ã¹, ClinVar (classified likely benign by ENIGMA, Invitae, Color, Ambry Genetics, GeneDx and Michigan Medical Genetics Laboratories; and as uncertain significance by two submitters), and UMD-LSDB (classified as 3-UV). The variant was identified in control databases in 5 of 277216 chromosomes at a frequency of 0.00002 (Genome Aggregation Database Feb 27, 2017), observed in the European Non-Finnish population in 5 of 126696 chromosomes (freq: 0.00004), while it was not observed in the African, Other, Latino, Ashkenazi Jewish, East Asian, European Finnish, or South Asian populations. The p.Gln174= variant is not expected to have clinical significance because it does not result in a change of amino acid and is not located in a known consensus splice site. In addition, in silico or computational prediction software programs (SpliceSiteFinder, MaxEntScan, NNSPLICE, GeneSplicer) do not predict a difference in splicing. In summary, based on the above information, the clinical significance of this variant cannot be determined with certainty at this time although we would lean towards a more benign role for this variant. This variant is classified as likely benign.

Literature cited by the submitters: PubMed 16267036 (cited by Quest Diagnostics Nichols Institute San Juan Capistrano).